The following is an entry in ClinVar:

NM_000138.5(FBN1):c.6320T>C (p.Phe2107Ser)

Gene: FBN1 (fibrillin 1; minus strand). Cytogenetic location: 15q21.1.
Variant type: single nucleotide variant.
Coding change: c.6320T>C on transcript NM_000138.5 (MANE Select); coding-DNA position 6320, T replaced by C.
Protein change: p.Phe2107Ser; replaces phenylalanine 2107 with serine.
Molecular consequence: missense variant.
Genome position (GRCh38, 1-based): chr15:48,437,381, A>G on the plus strand (T>C on the coding strand, the complement: FBN1 is on the minus strand). VCF-style: chr15-48437381-A-G. GRCh37 (hg19) VCF-style: chr15-48729578-A-G.
Other names: c.6320T>C, p.Phe2107Ser (NM_001406716.1); short protein forms F2107S.
Identifiers: ClinVar variation 3251805 (VCV003251805.5), dbSNP rs1555395230.

ClinVar aggregate classification (germline): Uncertain significance. Review status: criteria provided, multiple submitters, no conflicts (2 of 4 stars). 4 submissions from 4 submitters: Uncertain significance (4). Last evaluated 2024-12-12.

Conditions:
Marfan syndrome (MFS). Also called: MARFAN SYNDROME, TYPE I; Marfan syndrome type 1; Marfan's syndrome; Marfan syndrome, classic; FBN1-Related Marfan Syndrome. Identifiers: Orphanet 284963, Orphanet 558, MedGen C0024796, MONDO:0007947, OMIM 154700.
Familial thoracic aortic aneurysm and aortic dissection (TAAD). Also called: Thoracic aortic aneurysms and dissections. Identifiers: Orphanet 91387, MedGen C4707243, MONDO:0019625.

Submissions (4):

Ambry Genetics
Classification: Uncertain significance for Familial thoracic aortic aneurysm and aortic dissection. Last evaluated: 2024-12-12. Review status: criteria provided, single submitter. Criteria: Ambry Variant Classification Scheme 2023. Collection method: clinical testing. Allele origin: germline.
Comment: The p.F2107S variant (also known as c.6320T>C), located in coding exon 51 of the FBN1 gene, results from a T to C substitution at nucleotide position 6320. The phenylalanine at codon 2107 is replaced by serine, an amino acid with highly dissimilar properties. This amino acid position is well conserved in available vertebrate species. In addition, this alteration is predicted to be deleterious by in silico analysis. Based on the available evidence, the clinical significance of this variant remains unclear.

Labcorp Genetics (formerly Invitae), Labcorp
Classification: Uncertain significance for Marfan syndrome; Familial thoracic aortic aneurysm and aortic dissection. Last evaluated: 2024-06-21. Review status: criteria provided, single submitter. Criteria: Invitae Variant Classification Sherloc (09022015). Collection method: clinical testing. Allele origin: germline.
Comment: This sequence change replaces phenylalanine, which is neutral and non-polar, with serine, which is neutral and polar, at codon 2107 of the FBN1 protein (p.Phe2107Ser). This variant is not present in population databases (gnomAD no frequency). This missense change has been observed in individual(s) with clinical features of FBN1-related conditions (Invitae). Advanced modeling of protein sequence and biophysical properties (such as structural, functional, and spatial information, amino acid conservation, physicochemical variation, residue mobility, and thermodynamic stability) performed at Invitae indicates that this missense variant is expected to disrupt FBN1 protein function with a positive predictive value of 95%. In summary, the available evidence is currently insufficient to determine the role of this variant in disease. Therefore, it has been classified as a Variant of Uncertain Significance.

All of Us Research Program, National Institutes of Health
Classification: Uncertain significance for Marfan syndrome. Last evaluated: 2024-05-14. Review status: criteria provided, single submitter. Criteria: ACMG Guidelines, 2015. Collection method: clinical testing. Allele origin: germline. Inheritance: Autosomal dominant inheritance. Observed: 1 variant allele, 1 heterozygote.
Comment: This missense variant replaces phenylalanine with serine at codon 2107 of the FBN1 protein. Computational prediction suggests that this variant may have deleterious impact on protein structure and function (internally defined REVEL score threshold >= 0.7, PMID: 27666373). To our knowledge, functional studies have not been reported for this variant. This variant has not been reported in individuals affected with FBN1-related disorders in the literature. This variant has not been identified in the general population by the Genome Aggregation Database (gnomAD). The available evidence is insufficient to determine the role of this variant in disease conclusively. Therefore, this variant is classified as a Variant of Uncertain Significance.

This study involves interpretation of variants in research participants for the purpose of population health screening. Participant phenotype was not available at the time of variant classification. Additional details can be found in publication PMID: 35346344, PMCID: PMC8962531

Women's Health and Genetics/Laboratory Corporation of America, LabCorp
Classification: Uncertain significance. Last evaluated: 2024-04-22. Review status: criteria provided, single submitter. Criteria: LabCorp Variant Classification Summary - May 2015. Collection method: clinical testing. Allele origin: germline.
Comment: Variant summary: FBN1 c.6320T>C (p.Phe2107Ser) results in a non-conservative amino acid change located in the 8th TGF-beta binding (TB) domain (IPR017878) of the encoded protein sequence. Five of five in-silico tools predict a damaging effect of the variant on protein function. The variant was absent in 250398 control chromosomes (gnomAD v2.1). The available data on variant occurrences in the general population are insufficient to allow any conclusion about variant significance. To our knowledge, no occurrence of c.6320T>C in individuals affected with Marfan Syndrome and no experimental evidence demonstrating its impact on protein function have been reported. No submitters have cited clinical-significance assessments for this variant to ClinVar. Based on the evidence outlined above, the variant was classified as uncertain significance.